The following is an entry in ClinVar:

NM_004304.5(ALK):c.4400G>A (p.Arg1467Lys)

Gene: ALK (ALK receptor tyrosine kinase; minus strand). Cytogenetic location: 2p23.2.
Variant type: single nucleotide variant.
Coding change: c.4400G>A on transcript NM_004304.5 (MANE Select); coding-DNA position 4400, G replaced by A.
Protein change: p.Arg1467Lys; replaces arginine 1467 with lysine.
Molecular consequence: missense variant.
Genome position (GRCh38, 1-based): chr2:29,193,687, C>T on the plus strand (G>A on the coding strand, the complement: ALK is on the minus strand). VCF-style: chr2-29193687-C-T. GRCh37 (hg19) VCF-style: chr2-29416553-C-T.
Other names: c.1196G>A, p.Arg399Lys (NM_001353765.2); short protein forms R1467K, R399K.
Identifiers: ClinVar variation 1740335 (VCV001740335.2), dbSNP rs1668945050, ClinGen allele CA346462227.

ClinVar aggregate classification (germline): Uncertain significance (1 of 4 stars; one submission).

Conditions:
Hereditary cancer-predisposing syndrome. Also called: Hereditary Cancer Syndrome; Hereditary neoplastic syndrome; Neoplastic Syndromes, Hereditary; Tumor predisposition. Identifiers: Orphanet 140162, MedGen C0027672, MeSH D009386, MONDO:0015356.

Submission:

Ambry Genetics
Classification: Uncertain significance for Hereditary cancer-predisposing syndrome. Last evaluated: 2022-09-08. Review status: criteria provided, single submitter. Criteria: Ambry Variant Classification Scheme 2023. Collection method: clinical testing. Allele origin: germline.
Comment: The p.R1467K variant (also known as c.4400G>A), located in coding exon 29 of the ALK gene, results from a G to A substitution at nucleotide position 4400. The arginine at codon 1467 is replaced by lysine, an amino acid with highly similar properties. This amino acid position is conserved. In addition, this alteration is predicted to be tolerated by in silico analysis. Since supporting evidence is limited at this time, the clinical significance of this alteration remains unclear.